The following is an entry in ClinVar:

NM_000059.4(BRCA2):c.4351G>A (p.Asp1451Asn)

Gene: BRCA2 (BRCA2 DNA repair associated; plus strand). Cytogenetic location: 13q13.1.
Variant type: single nucleotide variant.
Coding change: c.4351G>A on transcript NM_000059.4 (MANE Select); coding-DNA position 4351, G replaced by A.
Protein change: p.Asp1451Asn; replaces aspartic acid 1451 with asparagine.
Molecular consequence: missense variant.
Genome position (GRCh38, 1-based): chr13:32,338,706, G>A. VCF-style: chr13-32338706-G-A. GRCh37 (hg19) VCF-style: chr13-32912843-G-A.
Other names: short protein forms D1451N.
Identifiers: ClinVar variation 641022 (VCV000641022.10), dbSNP rs1593902107, ClinGen allele CA387780929.
Genomic context (GRCh38, chr13:32,338,706, plus strand): 5'-GCAAGTGGGAAAAATATTAGTGTCGCCAAAGAGTCATTTAATAAAATTGTAAATTTCTTT[G>A]ATCAGAAACCAGAAGAATTGCATAACTTTTCCTTAAATTCTGAATTACATTCTGACATAA-3'
Protein context (NP_000050.3, residues 1441-1461): ESFNKIVNFF[Asp1451Asn]QKPEELHNFS

ClinVar aggregate classification (germline): Conflicting classifications of pathogenicity. Review status: criteria provided, conflicting classifications (1 of 4 stars). 2 submissions from 2 submitters: Uncertain significance (1); Likely benign (1). Last evaluated 2024-12-24.

Conditions:
Hereditary cancer-predisposing syndrome. Also called: Neoplastic Syndromes, Hereditary; Tumor predisposition; Hereditary Cancer Syndrome; Hereditary neoplastic syndrome. Identifiers: Orphanet 140162, MedGen C0027672, MeSH D009386, MONDO:0015356.
Hereditary breast ovarian cancer syndrome. Also called: Hereditary breast and ovarian cancer; Hereditary breast and ovarian cancer syndrome (HBOC); BRCA1- and BRCA2-Associated Hereditary Breast and Ovarian Cancer; Hereditary breast and ovarian cancer syndrome; Hereditary breast and/or ovarian cancer syndrome; Breast and ovarian cancer. Identifiers: Orphanet 145, MedGen C0677776, MeSH D061325, MONDO:0003582. Disease mechanism: loss of function.

Submissions (2):

Labcorp Genetics (formerly Invitae), Labcorp
Classification: Uncertain significance for Hereditary breast ovarian cancer syndrome. Last evaluated: 2024-12-24. Review status: criteria provided, single submitter. Criteria: Invitae Variant Classification Sherloc (09022015). Collection method: clinical testing. Allele origin: germline.
Comment: This sequence change replaces aspartic acid, which is acidic and polar, with asparagine, which is neutral and polar, at codon 1451 of the BRCA2 protein (p.Asp1451Asn). This variant is not present in population databases (gnomAD no frequency). This variant has not been reported in the literature in individuals affected with BRCA2-related conditions. ClinVar contains an entry for this variant (Variation ID: 641022). Invitae Evidence Modeling of protein sequence and biophysical properties (such as structural, functional, and spatial information, amino acid conservation, physicochemical variation, residue mobility, and thermodynamic stability) indicates that this missense variant is not expected to disrupt BRCA2 protein function with a negative predictive value of 95%. In summary, the available evidence is currently insufficient to determine the role of this variant in disease. Therefore, it has been classified as a Variant of Uncertain Significance.

University of Washington Department of Laboratory Medicine, University of Washington
Classification: Likely benign for Hereditary cancer-predisposing syndrome. Last evaluated: 2023-03-23. Review status: criteria provided, single submitter. Criteria: Dines et al. (Genet Med. 2020). Collection method: curation. Allele origin: germline.
Comment: Missense variant in a coldspot region where missense variants are very unlikely to be pathogenic (PMID:31911673).

BRCA2 exon 11 coldspot. Reclassification based on statistical prior probability.